The following is an entry in ClinVar:

NM_001035.3(RYR2):c.9611T>C (p.Val3204Ala)

Gene: RYR2 (ryanodine receptor 2; plus strand). Cytogenetic location: 1q43.
Variant type: single nucleotide variant.
Coding change: c.9611T>C on transcript NM_001035.3 (MANE Select); coding-DNA position 9611, T replaced by C.
Protein change: p.Val3204Ala; replaces valine 3204 with alanine.
Molecular consequence: missense variant.
Genome position (GRCh38, 1-based): chr1:237,706,979, T>C. VCF-style: chr1-237706979-T-C. GRCh37 (hg19) VCF-style: chr1-237870279-T-C.
Other names: short protein forms V3204A.
Identifiers: ClinVar variation 1332092 (VCV001332092.3), dbSNP rs2149058128, ClinGen allele CA345408393.
Genomic context (GRCh38, chr1:237,706,979, plus strand): 5'-TATCATCCATTTTTATATGTACTTCTCCAGCTCTCAGTTTGCCAACTAATGTGGAAGATG[T>C]TTGTCCAAACATACCGTCTTTGGAGAAACTCATGGAAGAAATCGTGGAATTAGCCGAGTC-3'
Protein context (NP_001026.2, residues 3194-3214): ALSLPTNVED[Val3204Ala]CPNIPSLEKL

ClinVar aggregate classification (germline): Uncertain significance (1 of 4 stars; one submission).

Conditions:
Cardiomyopathy (CMYO). Also called: Cardiomyopathies. Identifiers: Orphanet 167848, MedGen C0878544, MONDO:0004994, HP:0001638. Inheritance: Various modes of inheritance.

Submission:

Color Diagnostics, LLC DBA Color Health
Classification: Uncertain significance for Cardiomyopathy. Last evaluated: 2024-03-06. Review status: criteria provided, single submitter. Criteria: ACMG Guidelines, 2015. Collection method: clinical testing. Allele origin: germline.
Comment: This missense variant replaces valine with alanine at codon 3204 of the RYR2 protein. Computational prediction suggests that this variant may not impact protein structure and function (internally defined REVEL score threshold <= 0.5, PMID: 27666373). To our knowledge, functional studies have not been reported for this variant. This variant has not been reported in individuals affected with cardiovascular disorders in the literature. This variant has not been identified in the general population by the Genome Aggregation Database (gnomAD). The available evidence is insufficient to determine the role of this variant in disease conclusively. Therefore, this variant is classified as a Variant of Uncertain Significance.